The following is an entry in ClinVar:

NM_138422.4(ADAT3):c.444G>A (p.Pro148=)

Genes: ADAT3 (adenosine deaminase tRNA specific 3; plus strand), SCAMP4 (secretory carrier membrane protein 4; plus strand). Cytogenetic location: 19p13.3.
Variant type: single nucleotide variant.
Coding change: c.444G>A on transcript NM_138422.4 (MANE Select); coding-DNA position 444, G replaced by A.
Protein change: p.Pro148=; no amino-acid change (proline 148 retained).
Molecular consequence: synonymous variant. On other transcripts: intron variant (3).
Genome position (GRCh38, 1-based): chr19:1,912,491, G>A. VCF-style: chr19-1912491-G-A. GRCh37 (hg19) VCF-style: chr19-1912490-G-A.
Other names: c.396G>A, p.Pro132= (NM_001329533.2); c.-41-2488G>A (NM_079834.4, NM_001329540.2); c.-125-5203G>A (NM_001329539.2).
Identifiers: ClinVar variation 1337582 (VCV001337582.29), dbSNP rs937114381, ClinGen allele CA304119764.

ClinVar aggregate classification (germline): Likely benign. Review status: criteria provided, multiple submitters, no conflicts (2 of 4 stars). 3 submissions from 3 submitters: Likely benign (2). 1 of the submissions does not count toward it. Last evaluated 2022-03-01.

Conditions:
ADAT3-related disorder. Also called: ADAT3-related condition.

Allele frequency attached by ClinVar (database versions not stated): gnomAD 0.00006 and 0.00007; TOPMed 0.00010.
gnomAD v4.1: 190 of 1,497,208 alleles (0.013%); highest among the groups gnomAD compares: Non-Finnish European, 0.016%; 1 homozygote.

Submissions (3):

CeGaT Center for Human Genetics Tuebingen
Classification: Likely benign. Last evaluated: 2022-03-01. Review status: criteria provided, single submitter. Criteria: CeGaT Center For Human Genetics Tuebingen Variant Classification Criteria Version 2. Collection method: clinical testing. Allele origin: germline. Affected: yes. Observed: 1 variant allele.
Comment: ADAT3: BP4, BP7

Genetic Services Laboratory, University of Chicago
Classification: Likely benign. Last evaluated: 2020-04-28. Review status: criteria provided, single submitter. Criteria: ACMG Guidelines, 2015. Collection method: clinical testing. Allele origin: germline. Affected: no.

PreventionGenetics, part of Exact Sciences
Classification: Likely benign for ADAT3-related condition. Last evaluated: 2019-10-28. Review status: no assertion criteria provided. Collection method: clinical testing. Allele origin: germline. Not counted in ClinVar's aggregate classification.
Comment: This variant is classified as likely benign based on ACMG/AMP sequence variant interpretation guidelines (Richards et al. 2015 PMID: 25741868, with internal and published modifications).